The following is an entry in ClinVar:

ClinVar aggregate classification (germline): Uncertain significance (1 of 4 stars; one submission).

Conditions:
Aortic aneurysm, familial thoracic 7 (AAT7). Also called: AORTIC DISSECTION, FAMILIAL, WITH OR WITHOUT AORTIC ANEURYSM. Identifiers: MedGen C3151077, MONDO:0013418, OMIM 613780.

Submission:

Labcorp Genetics (formerly Invitae), Labcorp
Classification: Uncertain significance for Aortic aneurysm, familial thoracic 7. Last evaluated: 2021-12-07. Review status: criteria provided, single submitter. Criteria: Invitae Variant Classification Sherloc (09022015). Collection method: clinical testing. Allele origin: germline.
Comment: A copy number gain of the genomic region encompassing the full coding sequence of the MYLK gene has been identified. The boundaries of this event are unknown as they extend beyond the assayed region for this gene and therefore may encompass additional genes. As the precise location of this event is unknown, it may be in tandem or it may be located elsewhere in the genome. This variant has not been reported in the literature in individuals affected with MYLK-related conditions. Experimental studies and prediction algorithms are not available or were not evaluated, and the functional significance of this variant is currently unknown. In summary, the available evidence is currently insufficient to determine the role of this variant in disease. Therefore, it has been classified as a Variant of Uncertain Significance.

NC_000003.11:g.(?_123003455)_(125313644_?)dup

Genes: ZNF148 (zinc finger protein 148; minus strand), SLC12A8 (solute carrier family 12 member 8; minus strand), UMPS (uridine monophosphate synthetase; plus strand), ITGB5 (integrin subunit beta 5; minus strand), OSBPL11 (oxysterol binding protein like 11; minus strand) and 9 more. Cytogenetic location: 3q21.1-21.2.
Variant type: Duplication.
Identifiers: ClinVar variation 2427161 (VCV002427161.3).